The following is an entry in ClinVar:

ClinVar aggregate classification (germline): Uncertain significance (1 of 4 stars; one submission).

Conditions:
Surfactant metabolism dysfunction, pulmonary, 2 (SMDP2). Also called: DESQUAMATIVE INTERSTITIAL PNEUMONITIS DUE TO SURFACTANT PROTEIN C DEFICIENCY; INTERSTITIAL LUNG DISEASE DUE TO SURFACTANT PROTEIN C DEFICIENCY; PULMONARY ALVEOLAR PROTEINOSIS, CONGENITAL, 2. Identifiers: Orphanet 440392, MedGen C1970470, MONDO:0024465, OMIM 610913.

Submission:

Johns Hopkins Genomics, Johns Hopkins University
Classification: Uncertain significance for Surfactant metabolism dysfunction, pulmonary, 2. Last evaluated: 2019-08-06. Review status: criteria provided, single submitter. Criteria: ACMG Guidelines, 2015. Collection method: clinical testing. Allele origin: germline.
Comment: Not a previously reported SFTPC variant to our knowledge. This amino acid residue is located within the BRICHOS domain, which has a role in folding and trafficking the SP-C protein. Two bioinformatic tools queried predict that this substitution would be probably damaging; however, these tools are optimized to predict loss of function variants. As SFTPC variants are thought to act in a dominant negative manner, it is unclear how reliable bioinformatic algorithms would be making predictions for this gene. In addition, the leucine at this position is conserved across most, but not all, mammals, and not across lower species (although some residues in this region are highly conserved). The clinical significance ofthis variant is uncertain.

NM_001317778.2(SFTPC):c.410T>A (p.Leu137His)

Gene: SFTPC (surfactant protein C; plus strand). Cytogenetic location: 8p21.3.
Variant type: single nucleotide variant.
Coding change: c.410T>A on transcript NM_001317778.2 (MANE Select); coding-DNA position 410, T replaced by A.
Protein change: p.Leu137His; replaces leucine 137 with histidine.
Molecular consequence: missense variant.
Genome position (GRCh38, 1-based): chr8:22,163,521, T>A. VCF-style: chr8-22163521-T-A. GRCh37 (hg19) VCF-style: chr8-22021034-T-A.
Other names: c.410T>A, p.Leu137His (NM_001172357.2, NM_001172410.2, NM_001317780.2 and 1 more transcripts); c.251T>A, p.Leu84His (NM_001317779.2); short protein forms L84H, L137H.
Identifiers: ClinVar variation 693987 (VCV000693987.1), dbSNP rs1586422320, ClinGen allele CA370537886.